The following is an entry in ClinVar:

ClinVar aggregate classification (germline): Uncertain significance (1 of 4 stars; one submission).

Submission:

GeneDx
Classification: Uncertain significance. Last evaluated: 2024-11-07. Review status: criteria provided, single submitter. Criteria: GeneDx Variant Classification Process June 2021. Collection method: clinical testing. Allele origin: germline. Affected: yes.
Comment: Not observed at significant frequency in large population cohorts (gnomAD); In silico analysis supports that this missense variant has a deleterious effect on protein structure/function; Has not been previously published as pathogenic or benign to our knowledge

NM_005654.6(NR2F1):c.586G>A (p.Glu196Lys)

Gene: NR2F1 (nuclear receptor subfamily 2 group F member 1; plus strand). Cytogenetic location: 5q15.
Variant type: single nucleotide variant.
Coding change: c.586G>A on transcript NM_005654.6 (MANE Select); coding-DNA position 586, G replaced by A.
Protein change: p.Glu196Lys; replaces glutamic acid 196 with lysine.
Molecular consequence: missense variant.
Genome position (GRCh38, 1-based): chr5:93,588,039, G>A. VCF-style: chr5-93588039-G-A. GRCh37 (hg19) VCF-style: chr5-92923745-G-A.
Other names: c.136G>A, p.Glu46Lys (NM_001410754.1); short protein forms E196K, E46K.
Identifiers: ClinVar variation 3899072 (VCV003899072.1).